The following is an entry in ClinVar:

NM_001160372.4(TRAPPC9):c.1420A>G (p.Met474Val)

Gene: TRAPPC9 (trafficking protein particle complex subunit 9; minus strand). Cytogenetic location: 8q24.3.
Variant type: single nucleotide variant.
Coding change: c.1420A>G on transcript NM_001160372.4 (MANE Select); coding-DNA position 1420, A replaced by G.
Protein change: p.Met474Val; replaces methionine 474 with valine.
Molecular consequence: missense variant. On other transcripts: non-coding transcript variant (1), intron variant (1).
Genome position (GRCh38, 1-based): chr8:140,360,125, T>C on the plus strand (A>G on the coding strand, the complement: TRAPPC9 is on the minus strand). VCF-style: chr8-140360125-T-C. GRCh37 (hg19) VCF-style: chr8-141370224-T-C.
Other names: c.1714A>G (NM_031466.7); c.1393A>G, p.Met465Val (NM_001321646.2); c.1441A>G, p.Met481Val (NM_001374682.1); c.1420A>G, p.Met474Val (NM_001374683.1, NM_031466.8); c.1351+10839A>G (NM_001374684.1); short protein forms M474V, M465V, M481V.
Identifiers: ClinVar variation 362086 (VCV000362086.12), dbSNP rs752614138, ClinGen allele CA4893457.

ClinVar aggregate classification (germline): Uncertain significance. Review status: criteria provided, multiple submitters, no conflicts (2 of 4 stars). 3 submissions from 3 submitters: Uncertain significance (3). Last evaluated 2025-11-17.

Conditions:
TRAPPC9-related disorder. Also called: TRAPPC9-related condition.

Allele frequency attached by ClinVar (database versions not stated): ExAC 0.00002; gnomAD exomes 0.00002 and 0.00003; TOPMed 0.00002.
gnomAD v4.1: 10 of 1,614,132 alleles (0.00062%); highest among the groups gnomAD compares: Admixed American, 0.015%; no homozygotes.

Submissions (3):

Labcorp Genetics (formerly Invitae), Labcorp
Classification: Uncertain significance. Last evaluated: 2025-11-17. Review status: criteria provided, single submitter. Criteria: Invitae Variant Classification Sherloc (09022015). Collection method: clinical testing. Allele origin: germline.
Comment: This sequence change replaces methionine, which is neutral and non-polar, with valine, which is neutral and non-polar, at codon 572 of the TRAPPC9 protein (p.Met572Val). This variant is present in population databases (rs752614138, gnomAD 0.02%). This variant has not been reported in the literature in individuals affected with TRAPPC9-related conditions. ClinVar contains an entry for this variant (Variation ID: 362086). An algorithm developed to predict the effect of missense changes on protein structure and function (PolyPhen-2) suggests that this variant is likely to be disruptive. In summary, the available evidence is currently insufficient to determine the role of this variant in disease. Therefore, it has been classified as a Variant of Uncertain Significance.

PreventionGenetics, part of Exact Sciences
Classification: Uncertain significance for TRAPPC9-related condition. Last evaluated: 2025-09-04. Review status: criteria provided, single submitter. Criteria: ACMG Guidelines, 2015. Collection method: clinical testing. Allele origin: germline.
Comment: The TRAPPC9 c.1714A>G variant is predicted to result in the amino acid substitution p.Met572Val. To our knowledge, this variant has not been reported in the literature. This variant is reported in 0.023% of alleles in individuals of Latino descent in gnomAD. At this time, the clinical significance of this variant is uncertain due to the absence of conclusive functional and genetic evidence.

Genetic Services Laboratory, University of Chicago
Classification: Uncertain significance. Last evaluated: 2016-05-09. Review status: criteria provided, single submitter. Criteria: ACMG Guidelines, 2015. Collection method: clinical testing. Allele origin: germline. Affected: no.